The following is an entry in ClinVar:

NM_174936.4(PCSK9):c.400-15C>T

Gene: PCSK9 (proprotein convertase subtilisin/kexin type 9; plus strand). Cytogenetic location: 1p32.3.
Variant type: single nucleotide variant.
Coding change: c.400-15C>T on transcript NM_174936.4 (MANE Select); 15 bases into the intron before coding-DNA position 400, C replaced by T.
Molecular consequence: intron variant.
Genome position (GRCh38, 1-based): chr1:55,046,508, C>T. VCF-style: chr1-55046508-C-T. GRCh37 (hg19) VCF-style: chr1-55512181-C-T.
Identifiers: ClinVar variation 922152 (VCV000922152.6), dbSNP rs1644635525, ClinGen allele CA1139656130.

ClinVar aggregate classification (germline): Likely benign. Review status: criteria provided, multiple submitters, no conflicts (2 of 4 stars). 3 submissions from 3 submitters: Likely benign (3). Last evaluated 2024-10-22.

Conditions:
Familial hypercholesterolemia. Also called: Familial hypercholesterolemias; Familial hypercholesterolaemia. Identifiers: MedGen C0020445, MONDO:0005439.
Hypercholesterolemia, autosomal dominant, 3 (FHCL3). Also called: Familial hypercholesterolemia 3; Familial Hypercholesterolemia, Autosomal Dominant, 3; PCSK9-Related Familial Hypercholesterolemia, Autosomal Dominant. Identifiers: MedGen C1863551, MONDO:0011369, OMIM 603776.

gnomAD v4.1: 3 of 1,614,220 alleles (0.00019%); highest among the groups gnomAD compares: South Asian, 0.0011%; no homozygotes.

Submissions (3):

Labcorp Genetics (formerly Invitae), Labcorp
Classification: Likely benign for Hypercholesterolemia, autosomal dominant, 3. Last evaluated: 2024-10-22. Review status: criteria provided, single submitter. Criteria: Invitae Variant Classification Sherloc (09022015). Collection method: clinical testing. Allele origin: germline.

All of Us Research Program, National Institutes of Health
Classification: Likely benign for Hypercholesterolemia, autosomal dominant, 3. Last evaluated: 2023-04-03. Review status: criteria provided, single submitter. Criteria: ACMG Guidelines, 2015. Collection method: clinical testing. Allele origin: germline. Inheritance: Autosomal dominant inheritance. Observed: 1 variant allele, 1 heterozygote.
Comment: This study involves interpretation of variants in research participants for the purpose of population health screening. Participant phenotype was not available at the time of variant classification. Additional details can be found in publication PMID: 35346344, PMCID: PMC8962531

Color Diagnostics, LLC DBA Color Health
Classification: Likely benign for Familial hypercholesterolemia. Last evaluated: 2019-07-19. Review status: criteria provided, single submitter. Criteria: ACMG Guidelines, 2015. Collection method: clinical testing. Allele origin: germline.